The following is an entry in ClinVar:

NM_002485.5(NBN):c.556T>A (p.Ser186Thr)

Gene: NBN (nibrin; minus strand). Cytogenetic location: 8q21.3.
Variant type: single nucleotide variant.
Coding change: c.556T>A on transcript NM_002485.5 (MANE Select); coding-DNA position 556, T replaced by A.
Protein change: p.Ser186Thr; replaces serine 186 with threonine.
Molecular consequence: missense variant.
Genome position (GRCh38, 1-based): chr8:89,978,248, A>T on the plus strand (T>A on the coding strand, the complement: NBN is on the minus strand). VCF-style: chr8-89978248-A-T. GRCh37 (hg19) VCF-style: chr8-90990476-A-T.
Other names: c.310T>A, p.Ser104Thr (NM_001024688.3); short protein forms S104T, S186T.
Identifiers: ClinVar variation 825838 (VCV000825838.12), dbSNP rs1586101246, ClinGen allele CA371660192.

ClinVar aggregate classification (germline): Uncertain significance. Review status: criteria provided, multiple submitters, no conflicts (2 of 4 stars). 2 submissions from 2 submitters: Uncertain significance (2). Last evaluated 2023-07-16.

Conditions:
Hereditary cancer-predisposing syndrome. Also called: Neoplastic Syndromes, Hereditary; Hereditary Cancer Syndrome; Hereditary neoplastic syndrome; Tumor predisposition. Identifiers: Orphanet 140162, MedGen C0027672, MeSH D009386, MONDO:0015356.
Microcephaly, normal intelligence and immunodeficiency (NBS). Also called: Nijmegen breakage syndrome; Microcephaly with normal intelligence immunodeficiency and lymphoreticular malignancies; Nonsyndromal microcephaly autosomal recessive with normal intelligence; Seemanova syndrome 2; Ataxia telangiectasia variant V1; BERLIN BREAKAGE SYNDROME. Identifiers: Orphanet 647, MedGen C0398791, MONDO:0009623, OMIM 251260.

Allele frequency attached by ClinVar (database versions not stated): gnomAD exomes below 0.00001; TOPMed 0.00001.
gnomAD v4.1: 1 of 1,606,884 alleles (0.000062%); highest among the groups gnomAD compares: Admixed American, 0.0017%; no homozygotes.

Submissions (2):

Labcorp Genetics (formerly Invitae), Labcorp
Classification: Uncertain significance for Microcephaly, normal intelligence and immunodeficiency. Last evaluated: 2023-07-16. Review status: criteria provided, single submitter. Criteria: Invitae Variant Classification Sherloc (09022015). Collection method: clinical testing. Allele origin: germline.
Comment: Algorithms developed to predict the effect of missense changes on protein structure and function output the following: SIFT: "Not Available"; PolyPhen-2: "Benign"; Align-GVGD: "Not Available". The threonine amino acid residue is found in multiple mammalian species, which suggests that this missense change does not adversely affect protein function. ClinVar contains an entry for this variant (Variation ID: 825838). This variant has not been reported in the literature in individuals affected with NBN-related conditions. This variant is not present in population databases (gnomAD no frequency). This sequence change replaces serine, which is neutral and polar, with threonine, which is neutral and polar, at codon 186 of the NBN protein (p.Ser186Thr). In summary, the available evidence is currently insufficient to determine the role of this variant in disease. Therefore, it has been classified as a Variant of Uncertain Significance.

Ambry Genetics
Classification: Uncertain significance for Hereditary cancer-predisposing syndrome. Last evaluated: 2019-07-05. Review status: criteria provided, single submitter. Criteria: Ambry Variant Classification Scheme 2023. Collection method: clinical testing. Allele origin: germline.
Comment: The p.S186T variant (also known as c.556T>A), located in coding exon 5 of the NBN gene, results from a T to A substitution at nucleotide position 556. The serine at codon 186 is replaced by threonine, an amino acid with similar properties. This amino acid position is not well conserved in available vertebrate species. In addition, this alteration is predicted to be tolerated by in silico analysis. Since supporting evidence is limited at this time, the clinical significance of this alteration remains unclear.